The following is an entry in ClinVar:

ClinVar aggregate classification (germline): Likely pathogenic (1 of 4 stars; one submission).

Conditions:
Familial thoracic aortic aneurysm and aortic dissection (TAAD). Also called: Thoracic aortic aneurysms and dissections. Identifiers: Orphanet 91387, MedGen C4707243, MONDO:0019625.

Submission:

Ambry Genetics
Classification: Likely pathogenic for Familial thoracic aortic aneurysm and aortic dissection. Last evaluated: 2026-05-27. Review status: criteria provided, single submitter. Criteria: Ambry Variant Classification Scheme 2023. Collection method: clinical testing. Allele origin: germline.
Comment: The c.3823+1_3823+18del18insC intronic variant results from a deletion of GTATGTTTGGTAGTCTTT and insertion of C one nucleotide after coding exon 48 of the COL3A1 gene. Alterations that disrupt the canonical splice site are expected to cause aberrant splicing, resulting in an abnormal protein or a transcript that is subject to nonsense-mediated mRNA decay. This variant was not reported in population-based cohorts in the Genome Aggregation Database (gnomAD). Another variant impacting the same donor site (c.3823+1G>C) has been identified in individuals with features consistent with COL3A1-related Ehlers-Danlos syndrome (Frank, 2015). This nucleotide position is highly conserved in available vertebrate species. In silico splice site analysis predicts that this alteration will weaken the native splice donor site. Based on the available evidence, this alteration is classified as likely pathogenic.

Literature cited by the submitters: PubMed 25758994.

NM_000090.4(COL3A1):c.3823+1_3823+18delinsC

Gene: COL3A1 (collagen type III alpha 1 chain; plus strand). Cytogenetic location: 2q32.2.
Variant type: Indel.
Coding change: c.3823+1_3823+18delinsC on transcript NM_000090.4 (MANE Select); the canonical splice donor site of the intron after coding-DNA position 3823 through 18 bases into the intron after coding-DNA position 3823, GTATGTTTGGTAGTCTTT replaced by C.
Molecular consequence: splice donor variant.
Genome position (GRCh38, 1-based): chr2:189,009,222-189,009,239, GTATGTTTGGTAGTCTTT replaced by C. VCF-style: chr2-189009222-GTATGTTTGGTAGTCTTT-C. GRCh37 (hg19) VCF-style: chr2-189873948-GTATGTTTGGTAGTCTTT-C.
Identifiers: ClinVar variation 3835241 (VCV003835241.2).